The following is an entry in ClinVar:

NM_003072.5(SMARCA4):c.793C>T (p.Pro265Ser)

Gene: SMARCA4 (SWI/SNF related BAF chromatin remodeling complex subunit ATPase 4; plus strand). Cytogenetic location: 19p13.2.
Variant type: single nucleotide variant.
Coding change: c.793C>T on transcript NM_003072.5 (MANE Select); coding-DNA position 793, C replaced by T.
Protein change: p.Pro265Ser; replaces proline 265 with serine.
Molecular consequence: missense variant. On other transcripts: non-coding transcript variant (1).
Genome position (GRCh38, 1-based): chr19:10,986,937, C>T. VCF-style: chr19-10986937-C-T. GRCh37 (hg19) VCF-style: chr19-11097613-C-T.
Other names: c.793C>T, p.Pro265Ser (NM_001128844.3, NM_001128845.2, NM_001128846.2 and 5 more transcripts); short protein forms P265S.
Identifiers: ClinVar variation 1437294 (VCV001437294.10), dbSNP rs2145796084, ClinGen allele CA404057941.
Genomic context (GRCh38, chr19:10,986,937, plus strand): 5'-TTTCTCTTTTGTTTCTCCCTACATGTAGGTATGGGAGGGCCCAACATGCCTCCCCCAGGA[C>T]CCTCGGGCGTGCCCCCCGGGATGCCAGGCCAGCCTCCTGGAGGGCCTCCCAAGCCCTGGC-3'
Protein context (NP_003063.2, residues 255-275): MGGPNMPPPG[Pro265Ser]SGVPPGMPGQ

ClinVar aggregate classification (germline): Uncertain significance. Review status: criteria provided, multiple submitters, no conflicts (2 of 4 stars). 2 submissions from 2 submitters: Uncertain significance (2). Last evaluated 2021-09-30.

Conditions:
Hereditary cancer-predisposing syndrome. Also called: Neoplastic Syndromes, Hereditary; Hereditary Cancer Syndrome; Hereditary neoplastic syndrome; Tumor predisposition. Identifiers: Orphanet 140162, MedGen C0027672, MeSH D009386, MONDO:0015356.
Rhabdoid tumor predisposition syndrome 2 (RTPS2). Identifiers: Orphanet 231108, Orphanet 69077, MedGen C2750074, MONDO:0013224, OMIM 613325.

Submissions (2):

Ambry Genetics
Classification: Uncertain significance for Hereditary cancer-predisposing syndrome. Last evaluated: 2021-09-30. Review status: criteria provided, single submitter. Criteria: Ambry Variant Classification Scheme 2023. Collection method: clinical testing. Allele origin: germline.
Comment: The p.P265S variant (also known as c.793C>T), located in coding exon 4 of the SMARCA4 gene, results from a C to T substitution at nucleotide position 793. The proline at codon 265 is replaced by serine, an amino acid with similar properties. This amino acid position is highly conserved in available vertebrate species. In addition, the in silico prediction for this alteration is inconclusive. Missense and in-frame variants in SMARCA4 are known to cause neurodevelopmental disorders; however, such associations with rhabdoid tumor predisposition syndrome including small cell carcinoma of the ovary-hypercalcemic type (SCCOHT) are exceedingly rare (Kosho T et al. Am J Med Genet C Semin Med Genet. 2014 Sep;166C(3):262-75; Jelinic P et al. Nat Genet. 2014 May;46(5):424-6). Based on the supporting evidence, the association of this alteration with Coffin-Siris syndrome is unknown; however, the association of this alteration with rhabdoid tumor predisposition syndrome is unlikely.

Labcorp Genetics (formerly Invitae), Labcorp
Classification: Uncertain significance for Rhabdoid tumor predisposition syndrome 2. Last evaluated: 2021-08-18. Review status: criteria provided, single submitter. Criteria: Invitae Variant Classification Sherloc (09022015). Collection method: clinical testing. Allele origin: germline.
Comment: In summary, the available evidence is currently insufficient to determine the role of this variant in disease. Therefore, it has been classified as a Variant of Uncertain Significance. Algorithms developed to predict the effect of missense changes on protein structure and function are either unavailable or do not agree on the potential impact of this missense change (SIFT: "Deleterious"; PolyPhen-2: "Benign"; Align-GVGD: "Class C65"). This variant has not been reported in the literature in individuals with SMARCA4-related conditions. This variant is not present in population databases (ExAC no frequency). This sequence change replaces proline with serine at codon 265 of the SMARCA4 protein (p.Pro265Ser). The proline residue is highly conserved and there is a moderate physicochemical difference between proline and serine.